The following is an entry in ClinVar:

ClinVar aggregate classification (germline): Uncertain significance (1 of 4 stars; one submission).

Allele frequency attached by ClinVar (database versions not stated): gnomAD exomes below 0.00001; TOPMed below 0.00001; gnomAD 0.00001.
gnomAD v4.1: 3 of 1,612,860 alleles (0.00019%); highest among the groups gnomAD compares: Non-Finnish European, 0.00025%; no homozygotes.

Submission:

Labcorp Genetics (formerly Invitae), Labcorp
Classification: Uncertain significance. Last evaluated: 2025-09-02. Review status: criteria provided, single submitter. Criteria: Invitae Variant Classification Sherloc (09022015). Collection method: clinical testing. Allele origin: germline.
Comment: This sequence change replaces proline, which is neutral and non-polar, with leucine, which is neutral and non-polar, at codon 1412 of the VPS13A protein (p.Pro1412Leu). This variant is present in population databases (no rsID available, gnomAD 0.007%). This variant has not been reported in the literature in individuals affected with VPS13A-related conditions. ClinVar contains an entry for this variant (Variation ID: 1493265). An algorithm developed to predict the effect of missense changes on protein structure and function outputs the following: PolyPhen-2: "Benign". The leucine amino acid residue is found in multiple mammalian species, which suggests that this missense change does not adversely affect protein function. In summary, the available evidence is currently insufficient to determine the role of this variant in disease. Therefore, it has been classified as a Variant of Uncertain Significance.

NM_033305.3(VPS13A):c.4235C>T (p.Pro1412Leu)

Gene: VPS13A (vacuolar protein sorting 13 homolog A; plus strand). Cytogenetic location: 9q21.2.
Variant type: single nucleotide variant.
Coding change: c.4235C>T on transcript NM_033305.3 (MANE Select); coding-DNA position 4235, C replaced by T.
Protein change: p.Pro1412Leu; replaces proline 1412 with leucine.
Molecular consequence: missense variant.
Genome position (GRCh38, 1-based): chr9:77,314,112, C>T. VCF-style: chr9-77314112-C-T. GRCh37 (hg19) VCF-style: chr9-79929028-C-T.
Other names: c.4118C>T, p.Pro1373Leu (NM_001018037.2); c.4235C>T, p.Pro1412Leu (NM_001018038.3, NM_015186.4); short protein forms P1412L, P1373L.
Identifiers: ClinVar variation 1493265 (VCV001493265.4), dbSNP rs1310170835, ClinGen allele CA373854620.